The following is an entry in ClinVar:

NM_001136035.4(TRMT1):c.407C>G (p.Ala136Gly)

Gene: TRMT1 (tRNA methyltransferase 1; minus strand). Cytogenetic location: 19p13.13.
Variant type: single nucleotide variant.
Coding change: c.407C>G on transcript NM_001136035.4 (MANE Select); coding-DNA position 407, C replaced by G.
Protein change: p.Ala136Gly; replaces alanine 136 with glycine.
Molecular consequence: missense variant. On other transcripts: 5 prime UTR variant (1).
Genome position (GRCh38, 1-based): chr19:13,115,672, G>C on the plus strand (C>G on the coding strand, the complement: TRMT1 is on the minus strand). VCF-style: chr19-13115672-G-C. GRCh37 (hg19) VCF-style: chr19-13226486-G-C.
Other names: c.407C>G, p.Ala136Gly (NM_001142554.3, NM_001351760.2, NM_017722.5); c.299C>G, p.Ala100Gly (NM_001351761.2); c.-364C>G (NM_001351762.2); short protein forms A100G, A136G.
Identifiers: ClinVar variation 4537769 (VCV004537769.1).
Genomic context (GRCh38, chr19:13,115,672, plus strand): 5'-TGCTCAGGCCCCACCTCACAGATCTCCCCCACGGCCGCTGTGCGAGGTTGGTCTCCTGAG[G>C]CCAGGTTTTCACTCTCTTTCAGTTCAACCTTTTCCTCCTCTTGCTCTGACAAGTCCACGA-3'
Protein context (NP_001129507.1, residues 126-146): KVELKESENL[Ala136Gly]SGDQPRTAAV

ClinVar aggregate classification (germline): Uncertain significance (1 of 4 stars; one submission).

Submission:

GeneDx
Classification: Uncertain significance. Last evaluated: 2025-06-12. Review status: criteria provided, single submitter. Criteria: GeneDx Variant Classification Process June 2021. Collection method: clinical testing. Allele origin: germline. Affected: yes.
Comment: Not observed at significant frequency in large population cohorts (gnomAD); In silico analysis suggests that this missense variant does not alter protein structure/function; Has not been previously published as pathogenic or benign to our knowledge